The following is an entry in ClinVar:

NM_001232.4(CASQ2):c.838+5G>A

Gene: CASQ2 (calsequestrin 2; minus strand). Cytogenetic location: 1p13.1.
Variant type: single nucleotide variant.
Coding change: c.838+5G>A on transcript NM_001232.4 (MANE Select); 5 bases into the intron after coding-DNA position 838, G replaced by A.
Molecular consequence: intron variant.
Genome position (GRCh38, 1-based): chr1:115,717,835, C>T on the plus strand (G>A on the coding strand, the complement: CASQ2 is on the minus strand). VCF-style: chr1-115717835-C-T. GRCh37 (hg19) VCF-style: chr1-116260456-C-T.
Identifiers: ClinVar variation 4613802 (VCV004613802.1).
Genomic context (GRCh38, chr1:115,717,835, plus strand): 5'-GGCTGGCAAAGGTGAGAAATCAGTTCTTGCTAGAGCTGTAAAAGAGCAGGTTGAAGGTTT[C>T]CTACCTGGATCACTCTTCTCTGCAAAGGCCACAATGTGGATCCCATTCAAATCATCTTCC-3'

ClinVar aggregate classification (germline): Uncertain significance (1 of 4 stars; one submission).

Conditions:
Cardiovascular phenotype. Identifiers: MedGen CN230736.

Submission:

Ambry Genetics
Classification: Uncertain significance for Cardiovascular phenotype. Last evaluated: 2025-12-10. Review status: criteria provided, single submitter. Criteria: Ambry Variant Classification Scheme 2023. Collection method: clinical testing. Allele origin: germline.
Comment: The c.838+5G>A intronic variant results from a G to A substitution 5 nucleotides after coding exon 8 in the CASQ2 gene. This nucleotide position is highly conserved in available vertebrate species. In silico splice site analysis predicts that this alteration may weaken the native splice donor site. Based on the available evidence, the clinical significance of this variant remains unclear.